The following is an entry in ClinVar:

ClinVar aggregate classification (germline): Uncertain significance. Review status: criteria provided, multiple submitters, no conflicts (2 of 4 stars). 2 submissions from 2 submitters: Uncertain significance (2). Last evaluated 2025-03-27.

Conditions:
Hereditary cancer-predisposing syndrome. Also called: Hereditary Cancer Syndrome; Tumor predisposition; Neoplastic Syndromes, Hereditary; Hereditary neoplastic syndrome. Identifiers: Orphanet 140162, MedGen C0027672, MeSH D009386, MONDO:0015356.
Renal cell carcinoma. Identifiers: Orphanet 217071, MedGen C0007134, MeSH D002292, MONDO:0005086, HP:0005584.

Allele frequency attached by ClinVar (database versions not stated): TOPMed 0.00001.

Submissions (2):

Ambry Genetics
Classification: Uncertain significance for Hereditary cancer-predisposing syndrome. Last evaluated: 2025-03-27. Review status: criteria provided, single submitter. Criteria: Ambry Variant Classification Scheme 2023. Collection method: clinical testing. Allele origin: germline.
Comment: The p.V345M variant (also known as c.1033G>A), located in coding exon 1 of the MET gene, results from a G to A substitution at nucleotide position 1033. The valine at codon 345 is replaced by methionine, an amino acid with highly similar properties. This amino acid position is well conserved in available vertebrate species. In addition, the in silico prediction for this alteration is inconclusive. Based on the available evidence, the clinical significance of this variant remains unclear.

Labcorp Genetics (formerly Invitae), Labcorp
Classification: Uncertain significance for Renal cell carcinoma. Last evaluated: 2024-11-15. Review status: criteria provided, single submitter. Criteria: Invitae Variant Classification Sherloc (09022015). Collection method: clinical testing. Allele origin: germline.
Comment: This sequence change replaces valine, which is neutral and non-polar, with methionine, which is neutral and non-polar, at codon 345 of the MET protein (p.Val345Met). This variant is not present in population databases (gnomAD no frequency). This variant has not been reported in the literature in individuals affected with MET-related conditions. ClinVar contains an entry for this variant (Variation ID: 864528). Invitae Evidence Modeling of protein sequence and biophysical properties (such as structural, functional, and spatial information, amino acid conservation, physicochemical variation, residue mobility, and thermodynamic stability) indicates that this missense variant is expected to disrupt MET protein function with a positive predictive value of 80%. In summary, the available evidence is currently insufficient to determine the role of this variant in disease. Therefore, it has been classified as a Variant of Uncertain Significance.

NM_000245.4(MET):c.1033G>A (p.Val345Met)

Gene: MET (MET proto-oncogene, receptor tyrosine kinase; plus strand). Cytogenetic location: 7q31.2.
Variant type: single nucleotide variant.
Coding change: c.1033G>A on transcript NM_000245.4 (MANE Select); coding-DNA position 1033, G replaced by A.
Protein change: p.Val345Met; replaces valine 345 with methionine.
Molecular consequence: missense variant. On other transcripts: intron variant (1).
Genome position (GRCh38, 1-based): chr7:116,700,117, G>A. VCF-style: chr7-116700117-G-A. GRCh37 (hg19) VCF-style: chr7-116340171-G-A.
Other names: c.1033G>A, p.Val345Met (NM_001127500.3, NM_001324401.3); c.-91+27540G>A (NM_001324402.2); short protein forms V345M.
Identifiers: ClinVar variation 864528 (VCV000864528.10), dbSNP rs1232896056, ClinGen allele CA368970391.
Genomic context (GRCh38, chr7:116,700,117, plus strand): 5'-CCTGGGGCCCAGCTTGCTAGACAAATAGGAGCCAGCCTGAATGATGACATTCTTTTCGGG[G>A]TGTTCGCACAAAGCAAGCCAGATTCTGCCGAACCAATGGATCGATCTGCCATGTGTGCAT-3'
Protein context (NP_000236.2, residues 335-355): ASLNDDILFG[Val345Met]FAQSKPDSAE